The following is an entry in ClinVar:

NM_001458.5(FLNC):c.5891A>G (p.Asp1964Gly)

Genes: FLNC (filamin C; plus strand), FLNC-AS1 (FLNC antisense RNA 1; minus strand). Cytogenetic location: 7q32.1.
Variant type: single nucleotide variant.
Coding change: c.5891A>G on transcript NM_001458.5 (MANE Select); coding-DNA position 5891, A replaced by G.
Protein change: p.Asp1964Gly; replaces aspartic acid 1964 with glycine.
Molecular consequence: missense variant.
Genome position (GRCh38, 1-based): chr7:128,852,639, A>G. VCF-style: chr7-128852639-A-G. GRCh37 (hg19) VCF-style: chr7-128492693-A-G.
Other names: c.5792A>G, p.Asp1931Gly (NM_001127487.2); short protein forms D1931G, D1964G.
Identifiers: ClinVar variation 3751536 (VCV003751536.2).
Genomic context (GRCh38, chr7:128,852,639, plus strand): 5'-CTCCCCCACCAGGTGATGACTCCATGAGGACCTCACAGCTGAATGTGGGCACCTCCACGG[A>G]CGTGTCACTGAAGATCACCGAGAGTGATCTGAGCCAGCTGACCGCCAGCATCCGTGCCCC-3'
Protein context (NP_001449.3, residues 1954-1974): TSQLNVGTST[Asp1964Gly]VSLKITESDL

ClinVar aggregate classification (germline): Uncertain significance (1 of 4 stars; one submission).

Conditions:
Distal myopathy with posterior leg and anterior hand involvement. Also called: WILLIAMS DISTAL MYOPATHY. Identifiers: Orphanet 63273, MedGen C3279722, MONDO:0013550, OMIM 614065.
Hypertrophic cardiomyopathy 26. Also called: Cardiomyopathy, familial hypertrophic, 26. Identifiers: Orphanet 75249, MedGen C4310749, MONDO:0014883, OMIM 617047.
Myofibrillar myopathy 5. Also called: Filaminopathy (type); FILAMINOPATHY, AUTOSOMAL DOMINANT. Identifiers: Orphanet 171445, MedGen C1836050, MONDO:0012289, OMIM 609524.

Submission:

Labcorp Genetics (formerly Invitae), Labcorp
Classification: Uncertain significance for Distal myopathy with posterior leg and anterior hand involvement; Myofibrillar myopathy 5; Hypertrophic cardiomyopathy 26. Last evaluated: 2024-03-07. Review status: criteria provided, single submitter. Criteria: Invitae Variant Classification Sherloc (09022015). Collection method: clinical testing. Allele origin: germline.
Comment: This sequence change replaces aspartic acid, which is acidic and polar, with glycine, which is neutral and non-polar, at codon 1964 of the FLNC protein (p.Asp1964Gly). This variant is not present in population databases (gnomAD no frequency). This variant has not been reported in the literature in individuals affected with FLNC-related conditions. Advanced modeling of protein sequence and biophysical properties (such as structural, functional, and spatial information, amino acid conservation, physicochemical variation, residue mobility, and thermodynamic stability) has been performed at Invitae for this missense variant, however the output from this modeling did not meet the statistical confidence thresholds required to predict the impact of this variant on FLNC protein function. In summary, the available evidence is currently insufficient to determine the role of this variant in disease. Therefore, it has been classified as a Variant of Uncertain Significance.